The following is an entry in ClinVar:

ClinVar aggregate classification (germline): Conflicting classifications of pathogenicity. Review status: criteria provided, conflicting classifications (1 of 4 stars). 11 submissions from 11 submitters: Uncertain significance (9); Likely benign (1). 1 of the submissions does not count toward it. Last evaluated 2026-01-31.

Conditions:
Hereditary cancer-predisposing syndrome. Also called: Tumor predisposition; Hereditary Cancer Syndrome; Neoplastic Syndromes, Hereditary; Hereditary neoplastic syndrome. Identifiers: Orphanet 140162, MedGen C0027672, MeSH D009386, MONDO:0015356.
Hereditary diffuse gastric adenocarcinoma (HDGC). Also called: DIFFUSE GASTRIC AND LOBULAR BREAST CANCER SYNDROME. Identifiers: Orphanet 26106, MedGen C1708349, MONDO:0007648, OMIM 137215.
Breast-ovarian cancer, familial, susceptibility to, 1 (BROVCA1). Also called: BRCA1 Hereditary Breast and Ovarian Cancer; OVARIAN CANCER, SUSCEPTIBILITY TO. Identifiers: Orphanet 145, MedGen C2676676, MONDO:0011450, OMIM 604370. Disease mechanism: loss of function.
Familial cancer of breast. Also called: BREAST CANCER, FAMILIAL; hereditary breast carcinoma; Hereditary breast cancer. Identifiers: Orphanet 227535, MedGen C0346153, MONDO:0016419, OMIM 114480. Disease mechanism: loss of function.
Blepharocheilodontic syndrome 1 (BCDS1). Identifiers: Orphanet 1997, MedGen C4551988, MONDO:0054740, OMIM 119580.
Endometrial carcinoma. Also called: Endometrial carcinoma, somatic. Identifiers: MedGen C0476089, MONDO:0002447, OMIM 608089, HP:0012114.
Ovarian cancer. Also called: OVARIAN CANCER, SOMATIC. Identifiers: Orphanet 213500, MedGen C1140680, MONDO:0008170, OMIM 167000.

Allele frequency attached by ClinVar (database versions not stated): TOPMed below 0.00001; ExAC 0.00001; gnomAD 0.00001; gnomAD exomes 0.00001 and 0.00002; ESP Exome Variant Server 0.00008.
gnomAD v4.1: 10 of 1,614,006 alleles (0.00062%); highest among the groups gnomAD compares: East Asian, 0.0045%; no homozygotes.

Submissions (11):

Labcorp Genetics (formerly Invitae), Labcorp
Classification: Uncertain significance for Hereditary diffuse gastric adenocarcinoma. Last evaluated: 2026-01-31. Review status: criteria provided, single submitter. Criteria: Invitae Variant Classification Sherloc (09022015). Collection method: clinical testing. Allele origin: germline.
Comment: This sequence change replaces arginine, which is basic and polar, with histidine, which is basic and polar, at codon 868 of the CDH1 protein (p.Arg868His). This variant is present in population databases (rs369126891, gnomAD 0.01%). This missense change has been observed in individual(s) with a personal and/or family history of hereditary breast cancer and/or ovarian cancer (PMID: 32068069). ClinVar contains an entry for this variant (Variation ID: 230337). An algorithm developed to predict the effect of missense changes on protein structure and function (PolyPhen-2) suggests that this variant is likely to be disruptive. In summary, the available evidence is currently insufficient to determine the role of this variant in disease. Therefore, it has been classified as a Variant of Uncertain Significance.

Institute of Immunology and Genetics Kaiserslautern
Classification: Uncertain significance for Breast-ovarian cancer, familial, susceptibility to, 1. Last evaluated: 2025-08-22. Review status: criteria provided, single submitter. Criteria: ACMG Guidelines, 2015. Collection method: clinical testing. Allele origin: germline. Affected: yes.
Comment: ACMG Criteria: PM2_P; Variant was found in heterozygous state.

Color Diagnostics, LLC DBA Color Health
Classification: Uncertain significance for Hereditary cancer-predisposing syndrome. Last evaluated: 2024-11-13. Review status: criteria provided, single submitter. Criteria: ACMG Guidelines, 2015. Collection method: clinical testing. Allele origin: germline.
Comment: This missense variant replaces arginine with histidine at codon 868 of the CDH1 protein. Computational prediction is inconclusive regarding the impact of this variant on protein structure and function (internally defined REVEL score threshold 0.5 < inconclusive < 0.7, PMID: 27666373). To our knowledge, functional studies have not been performed for this variant. This variant has been reported in individuals affected with breast and/or ovarian cancer (PMID: 30287823, 32068069, 33471991, 38003901), as well as healthy control individuals (PMID: 3028782, 334719913). This variant has been identified in 4/251466 chromosomes in the general population by the Genome Aggregation Database (gnomAD). The available evidence is insufficient to determine the role of this variant in disease conclusively. Therefore, this variant is classified as a Variant of Uncertain Significance.

Baylor Genetics
Classification: Uncertain significance for Familial cancer of breast. Last evaluated: 2024-02-17. Review status: criteria provided, single submitter. Criteria: ACMG Guidelines, 2015. Collection method: clinical testing. Allele origin: unknown.

Fulgent Genetics
Classification: Uncertain significance for Familial cancer of breast; Blepharocheilodontic syndrome 1; Hereditary diffuse gastric adenocarcinoma; Ovarian cancer; Endometrial carcinoma. Last evaluated: 2024-01-18. Review status: criteria provided, single submitter. Criteria: ACMG Guidelines, 2015. Collection method: clinical testing. Allele origin: germline.

GeneDx
Classification: Uncertain significance. Last evaluated: 2024-01-16. Review status: criteria provided, single submitter. Criteria: GeneDx Variant Classification Process June 2021. Collection method: clinical testing. Allele origin: germline. Affected: yes.
Comment: In silico analysis supports that this missense variant has a deleterious effect on protein structure/function; Has not been previously reported as pathogenic or benign to our knowledge; This variant is associated with the following publications: (PMID: 27149842, 30287823, 36243179)

Myriad Genetics, Inc.
Classification: Uncertain significance for Hereditary diffuse gastric adenocarcinoma. Last evaluated: 2023-03-03. Review status: criteria provided, single submitter. Criteria: Myriad Autosomal Dominant, Autosomal Recessive and X-Linked Classification Criteria (2023). Collection method: clinical testing. Allele origin: unknown.
Comment: This variant is classified as a variant of uncertain significance as there is insufficient evidence to determine its impact on protein function and/or cancer risk.

Women's Health and Genetics/Laboratory Corporation of America, LabCorp
Classification: Uncertain significance. Last evaluated: 2022-01-14. Review status: criteria provided, single submitter. Criteria: LabCorp Variant Classification Summary - May 2015. Collection method: clinical testing. Allele origin: germline.
Comment: Variant summary: CDH1 c.2603G>A (p.Arg868His) results in a non-conservative amino acid change in the encoded protein sequence. Five of five in-silico tools predict a damaging effect of the variant on protein function. The variant allele was found at a frequency of 1.8e-05 in 273948 control chromosomes (gnomAD, Momozawa_2018). The available data on variant occurrences in the general population are insufficient to allow any conclusion about variant significance. c.2603G>A has been reported in the literature in individuals affected with Breast Cancer (example: Dorling_2021, Kwong_2020). These reports do not provide unequivocal conclusions about association of the variant with Breast Cancer. To our knowledge, no experimental evidence demonstrating an impact on protein function has been reported. Six ClinVar submitters have assessed the variant since 2014: all submitters classified the variant as of uncertain significance. Based on the evidence outlined above, the variant was classified as uncertain significance.

Ambry Genetics
Classification: Likely benign for Hereditary cancer-predisposing syndrome. Last evaluated: 2021-11-15. Review status: criteria provided, single submitter. Criteria: Ambry Variant Classification Scheme 2023. Collection method: clinical testing. Allele origin: germline.

Institute for Clinical Genetics, University Hospital TU Dresden, University Hospital TU Dresden
Classification: Uncertain significance. Last evaluated: 2021-11-03. Review status: criteria provided, single submitter. Criteria: ACMG Guidelines, 2015. Collection method: clinical testing. Allele origin: germline.

Counsyl
Classification: Uncertain significance for Hereditary diffuse gastric adenocarcinoma. Last evaluated: 2018-02-26. Review status: no assertion criteria provided. Collection method: clinical testing. Allele origin: unknown. Not counted in ClinVar's aggregate classification.

Literature cited by the submitters: PubMed 32068069 (cited by 3 submitters); PubMed 3028782 (cited by Color Diagnostics, LLC DBA Color Health); PubMed 30287823 (cited by 3 submitters); PubMed 33471991 (cited by Color Diagnostics, LLC DBA Color Health and Women's Health and Genetics/Laboratory Corporation of America, LabCorp); PubMed 38003901 (cited by Color Diagnostics, LLC DBA Color Health).

NM_004360.5(CDH1):c.2603G>A (p.Arg868His)

Gene: CDH1 (cadherin 1; plus strand). Cytogenetic location: 16q22.1.
Variant type: single nucleotide variant.
Coding change: c.2603G>A on transcript NM_004360.5 (MANE Select); coding-DNA position 2603, G replaced by A.
Protein change: p.Arg868His; replaces arginine 868 with histidine.
Molecular consequence: missense variant.
Genome position (GRCh38, 1-based): chr16:68,833,453, G>A. VCF-style: chr16-68833453-G-A. GRCh37 (hg19) VCF-style: chr16-68867356-G-A.
Other names: c.2420G>A, p.Arg807His (NM_001317184.2); c.1055G>A, p.Arg352His (NM_001317185.2); c.638G>A, p.Arg213His (NM_001317186.2); c.2603G>A (LRG_301t1); short protein forms R868H, R807H, R352H, R213H.
Identifiers: ClinVar variation 230337 (VCV000230337.30), dbSNP rs369126891, ClinGen allele CA8130312.